The following is an entry in ClinVar:

NM_005225.3(E2F1):c.*5G>T

Gene: E2F1 (E2F transcription factor 1; minus strand). Cytogenetic location: 20q11.22.
Variant type: single nucleotide variant.
Coding change: c.*5G>T on transcript NM_005225.3 (MANE Select); 5 bases downstream of the stop codon, G replaced by T.
Molecular consequence: 3 prime UTR variant.
Genome position (GRCh38, 1-based): chr20:33,676,727, C>A on the plus strand (G>T on the coding strand, the complement: E2F1 is on the minus strand). VCF-style: chr20-33676727-C-A. GRCh37 (hg19) VCF-style: chr20-32264533-C-A.
Identifiers: ClinVar variation 3055516 (VCV003055516.2), dbSNP rs3213177, ClinGen allele CA9818524.

ClinVar aggregate classification (germline): Benign (0 of 4 stars; one submission).

Conditions:
E2F1-related disorder. Also called: E2F1-related condition.

Allele frequency attached by ClinVar (database versions not stated): 1000 Genomes Project 30x 0.02780; 1000 Genomes Project 0.02835; ESP Exome Variant Server 0.03287; gnomAD 0.03701; TOPMed 0.03959; ExAC 0.05982.
gnomAD v4.1: 71,982 of 1,605,244 alleles (4.5%); highest among the groups gnomAD compares: Admixed American, 11%; 2,014 homozygotes.

Submission:

PreventionGenetics, part of Exact Sciences
Classification: Benign for E2F1-related condition. Last evaluated: 2019-03-06. Review status: no assertion criteria provided. Collection method: clinical testing. Allele origin: germline.
Comment: This variant is classified as benign based on ACMG/AMP sequence variant interpretation guidelines (Richards et al. 2015 PMID: 25741868, with internal and published modifications).